The following is an entry in ClinVar:

NM_005216.5(DDOST):c.999C>T (p.Gly333=)

Gene: DDOST (dolichyl-diphosphooligosaccharide--protein glycosyltransferase non-catalytic subunit; minus strand). Cytogenetic location: 1p36.12.
Variant type: single nucleotide variant.
Coding change: c.999C>T on transcript NM_005216.5 (MANE Select); coding-DNA position 999, C replaced by T.
Protein change: p.Gly333=; no amino-acid change (glycine 333 retained).
Molecular consequence: synonymous variant.
Genome position (GRCh38, 1-based): chr1:20,652,915, G>A on the plus strand (C>T on the coding strand, the complement: DDOST is on the minus strand). VCF-style: chr1-20652915-G-A. GRCh37 (hg19) VCF-style: chr1-20979408-G-A.
Identifiers: ClinVar variation 295082 (VCV000295082.12), dbSNP rs190780604, ClinGen allele CA661058.
Genomic context (GRCh38, chr1:20,652,915, plus strand): 5'-CTTCTTCAGGAAGGTCCTCACAAAAGGATCAATGCGGACAAACTCCAGCTGAATGTCATC[G>A]CCATCAAAGGGGACCCATTTGCCATTTGAGAGCTGCTGGATCACGATGCTATACTCCTGA-3'
Protein context (NP_005207.3, residues 323-343): LSNGKWVPFD[Gly333=]DDIQLEFVRI

ClinVar aggregate classification (germline): Benign/Likely benign. Review status: criteria provided, multiple submitters, no conflicts (2 of 4 stars). 2 submissions from 2 submitters: Benign (1); Likely benign (1). Last evaluated 2025-11-02.

Conditions:
Congenital disorder of glycosylation type Ir (CDG1R). Also called: DDOST-congenital disorder of glycosylation. Identifiers: Orphanet 300536, MedGen C3281084, MONDO:0013789, OMIM 614507.

Allele frequency attached by ClinVar (database versions not stated): gnomAD 0.00017 and 0.00019; gnomAD exomes 0.00022 and 0.00051; TOPMed 0.00034; 1000 Genomes Project 0.00040; 1000 Genomes Project 30x 0.00047; ExAC 0.00059.
gnomAD v4.1: 343 of 1,614,168 alleles (0.021%); highest among the groups gnomAD compares: East Asian, 0.69%; 1 homozygote.

Submissions (8):

Labcorp Genetics (formerly Invitae), Labcorp
Classification: Benign for Congenital disorder of glycosylation type Ir. Last evaluated: 2025-11-02. Review status: criteria provided, single submitter. Criteria: Invitae Variant Classification Sherloc (09022015). Collection method: clinical testing. Allele origin: germline.

GeneDx
Classification: Likely benign. Last evaluated: 2016-07-22. Review status: criteria provided, single submitter. Criteria: GeneDx Variant Classification (06012015). Collection method: clinical testing. Allele origin: germline. Affected: yes.
Comment: This variant is considered likely benign or benign based on one or more of the following criteria: it is a conservative change, it occurs at a poorly conserved position in the protein, it is predicted to be benign by multiple in silico algorithms, and/or has population frequency not consistent with disease.

Dr. Peter K. Rogan Lab, Western University
No classification provided (evidence only). Condition: Familial cancer of breast. Review status: no classification provided. Collection method: in vitro. Allele origin: not applicable. Functional consequence: retained intron. Not counted in ClinVar's aggregate classification.

Dr. Peter K. Rogan Lab, Western University
No classification provided (evidence only). Condition: Colon adenocarcinoma. Review status: no classification provided. Collection method: in vitro. Allele origin: not applicable. Functional consequence: retained intron. Not counted in ClinVar's aggregate classification.

Dr. Peter K. Rogan Lab, Western University
No classification provided (evidence only). Condition: Ovarian serous cystadenocarcinoma. Review status: no classification provided. Collection method: in vitro. Allele origin: not applicable. Functional consequence: retained intron. Not counted in ClinVar's aggregate classification.

Dr. Peter K. Rogan Lab, Western University
No classification provided (evidence only). Condition: Gastric cancer. Review status: no classification provided. Collection method: in vitro. Allele origin: not applicable. Functional consequence: retained intron. Not counted in ClinVar's aggregate classification.

Dr. Peter K. Rogan Lab, Western University
No classification provided (evidence only). Condition: Gastric cancer. Review status: no classification provided. Collection method: in vitro. Allele origin: not applicable. Functional consequence: retained intron. Not counted in ClinVar's aggregate classification.

Dr. Peter K. Rogan Lab, Western University
No classification provided (evidence only). Condition: Gastric cancer. Review status: no classification provided. Collection method: in vitro. Allele origin: not applicable. Functional consequence: retained intron. Not counted in ClinVar's aggregate classification.